The following is an entry in ClinVar:

ClinVar aggregate classification (germline): Uncertain significance (1 of 4 stars; one submission).

gnomAD v4.1: 1 of 1,613,980 alleles (0.000062%); highest among the groups gnomAD compares: Non-Finnish European, 0.000085%; no homozygotes.

Submission:

GeneDx
Classification: Uncertain significance. Last evaluated: 2026-07-10. Review status: criteria provided, single submitter. Criteria: GeneDx Variant Classification Process June 2021. Collection method: clinical testing. Allele origin: germline.
Comment: Not observed at significant frequency in large population cohorts (gnomAD); In silico analysis supports that this missense variant has a deleterious effect on protein structure/function; Has not been previously published as pathogenic or benign to our knowledge

NM_014991.6(WDFY3):c.3053C>A (p.Pro1018His)

Gene: WDFY3 (WD repeat and FYVE domain containing 3; minus strand). Cytogenetic location: 4q21.23.
Variant type: single nucleotide variant.
Coding change: c.3053C>A on transcript NM_014991.6 (MANE Select); coding-DNA position 3053, C replaced by A.
Protein change: p.Pro1018His; replaces proline 1018 with histidine.
Molecular consequence: missense variant.
Genome position (GRCh38, 1-based): chr4:84,796,635, G>T on the plus strand (C>A on the coding strand, the complement: WDFY3 is on the minus strand). VCF-style: chr4-84796635-G-T. GRCh37 (hg19) VCF-style: chr4-85717788-G-T.
Other names: short protein forms P1018H.
Identifiers: ClinVar variation 3900563 (VCV003900563.2).